The following is an entry in ClinVar:

NM_198253.3(TERT):c.391C>G (p.Leu131Val)

Gene: TERT (telomerase reverse transcriptase; minus strand). Cytogenetic location: 5p15.33.
Variant type: single nucleotide variant.
Coding change: c.391C>G on transcript NM_198253.3 (MANE Select); coding-DNA position 391, C replaced by G.
Protein change: p.Leu131Val; replaces leucine 131 with valine.
Molecular consequence: missense variant. On other transcripts: non-coding transcript variant (2).
Genome position (GRCh38, 1-based): chr5:1,294,495, G>C on the plus strand (C>G on the coding strand, the complement: TERT is on the minus strand). VCF-style: chr5-1294495-G-C. GRCh37 (hg19) VCF-style: chr5-1294610-G-C.
Other names: c.391C>G, p.Leu131Val (NM_001193376.3); short protein forms L131V.
Identifiers: ClinVar variation 580936 (VCV000580936.9), dbSNP rs1018793583, ClinGen allele CA359058125.

ClinVar aggregate classification (germline): Uncertain significance (1 of 4 stars; one submission).

Conditions:
Idiopathic Pulmonary Fibrosis. Also called: Idiopathic fibrosing alveolitis, chronic form; idiopathic fibrosing alveolitis. Identifiers: Orphanet 2032, MedGen C1800706, MeSH D054990, MONDO:0800504.
Dyskeratosis congenita, autosomal dominant 2. Identifiers: MedGen C3151443, MONDO:0013521, OMIM 613989.

Submission:

Labcorp Genetics (formerly Invitae), Labcorp
Classification: Uncertain significance for Dyskeratosis congenita, autosomal dominant 2; Idiopathic Pulmonary Fibrosis. Last evaluated: 2018-04-27. Review status: criteria provided, single submitter. Criteria: Invitae Variant Classification Sherloc (09022015). Collection method: clinical testing. Allele origin: germline.
Comment: This variant is not present in population databases (ExAC no frequency). This sequence change replaces leucine with valine at codon 131 of the TERT protein (p.Leu131Val). The leucine residue is weakly conserved and there is a small physicochemical difference between leucine and valine. This variant has not been reported in the literature in individuals with TERT-related disease. Algorithms developed to predict the effect of missense changes on protein structure and function output the following: SIFT: "Tolerated"; PolyPhen-2: "Benign"; Align-GVGD: "Class C0". The valine amino acid residue is found in multiple mammalian species, suggesting that this missense change does not adversely affect protein function. These predictions have not been confirmed by published functional studies and their clinical significance is uncertain. Algorithms developed to predict the effect of sequence changes on RNA splicing suggest that this variant may create or strengthen a splice site, but this prediction has not been confirmed by published transcriptional studies. In summary, the available evidence is currently insufficient to determine the role of this variant in disease. Therefore, it has been classified as a Variant of Uncertain Significance.